The following is an entry in ClinVar:

NM_001458.5(FLNC):c.3832A>G (p.Arg1278Gly)

Gene: FLNC (filamin C; plus strand). Cytogenetic location: 7q32.1.
Variant type: single nucleotide variant.
Coding change: c.3832A>G on transcript NM_001458.5 (MANE Select); coding-DNA position 3832, A replaced by G.
Protein change: p.Arg1278Gly; replaces arginine 1278 with glycine.
Molecular consequence: missense variant.
Genome position (GRCh38, 1-based): chr7:128,846,031, A>G. VCF-style: chr7-128846031-A-G. GRCh37 (hg19) VCF-style: chr7-128486085-A-G.
Other names: c.3832A>G, p.Arg1278Gly (NM_001127487.2); short protein forms R1278G.
Identifiers: ClinVar variation 970348 (VCV000970348.8), dbSNP rs772667448, ClinGen allele CA4475150.

ClinVar aggregate classification (germline): Uncertain significance (1 of 4 stars; one submission).

Conditions:
Myofibrillar myopathy 5. Also called: Filaminopathy (type); FILAMINOPATHY, AUTOSOMAL DOMINANT. Identifiers: Orphanet 171445, MedGen C1836050, MONDO:0012289, OMIM 609524.
Distal myopathy with posterior leg and anterior hand involvement. Also called: WILLIAMS DISTAL MYOPATHY. Identifiers: Orphanet 63273, MedGen C3279722, MONDO:0013550, OMIM 614065.
Hypertrophic cardiomyopathy 26. Also called: Cardiomyopathy, familial hypertrophic, 26. Identifiers: Orphanet 75249, MedGen C4310749, MONDO:0014883, OMIM 617047.

Allele frequency attached by ClinVar (database versions not stated): TOPMed below 0.00001; ExAC 0.00001; gnomAD exomes 0.00001.
gnomAD v4.1: 4 of 1,613,872 alleles (0.00025%); highest among the groups gnomAD compares: Admixed American, 0.0067%; no homozygotes.

Submission:

Labcorp Genetics (formerly Invitae), Labcorp
Classification: Uncertain significance for Distal myopathy with posterior leg and anterior hand involvement; Myofibrillar myopathy 5; Hypertrophic cardiomyopathy 26. Last evaluated: 2023-12-21. Review status: criteria provided, single submitter. Criteria: Invitae Variant Classification Sherloc (09022015). Collection method: clinical testing. Allele origin: germline.
Comment: This sequence change replaces arginine, which is basic and polar, with glycine, which is neutral and non-polar, at codon 1278 of the FLNC protein (p.Arg1278Gly). This variant is present in population databases (rs772667448, gnomAD 0.009%). This variant has not been reported in the literature in individuals affected with FLNC-related conditions. ClinVar contains an entry for this variant (Variation ID: 970348). Advanced modeling of protein sequence and biophysical properties (such as structural, functional, and spatial information, amino acid conservation, physicochemical variation, residue mobility, and thermodynamic stability) has been performed at Invitae for this missense variant, however the output from this modeling did not meet the statistical confidence thresholds required to predict the impact of this variant on FLNC protein function. Algorithms developed to predict the effect of sequence changes on RNA splicing suggest that this variant may create or strengthen a splice site. In summary, the available evidence is currently insufficient to determine the role of this variant in disease. Therefore, it has been classified as a Variant of Uncertain Significance.